The following is an entry in ClinVar:

NM_001378964.1(CDON):c.2839G>C (p.Gly947Arg)

Gene: CDON (cell adhesion associated, oncogene regulated; minus strand). Cytogenetic location: 11q24.2.
Variant type: single nucleotide variant.
Coding change: c.2839G>C on transcript NM_001378964.1 (MANE Select); coding-DNA position 2839, G replaced by C.
Protein change: p.Gly947Arg; replaces glycine 947 with arginine.
Molecular consequence: missense variant.
Genome position (GRCh38, 1-based): chr11:125,984,028, C>G on the plus strand (G>C on the coding strand, the complement: CDON is on the minus strand). VCF-style: chr11-125984028-C-G. GRCh37 (hg19) VCF-style: chr11-125853923-C-G.
Other names: c.2839G>C, p.Gly947Arg (NM_001243597.3, NM_016952.6); short protein forms G947R.
Identifiers: ClinVar variation 2507343 (VCV002507343.2), dbSNP rs761948945, ClinGen allele CA230517069.

ClinVar aggregate classification (germline): Uncertain significance. Review status: criteria provided, multiple submitters, no conflicts (2 of 4 stars). 2 submissions from 2 submitters: Uncertain significance (2). Last evaluated 2025-08-16.

Conditions:
Holoprosencephaly 11 (HPE11). Identifiers: Orphanet 2162, MedGen C3280215, MONDO:0013642, OMIM 614226.

Allele frequency attached by ClinVar (database versions not stated): gnomAD 0.00001; TOPMed 0.00001.
gnomAD v4.1: 24 of 1,613,944 alleles (0.0015%); highest among the groups gnomAD compares: Non-Finnish European, 0.002%; no homozygotes.

Submissions (2):

Labcorp Genetics (formerly Invitae), Labcorp
Classification: Uncertain significance for Holoprosencephaly 11. Last evaluated: 2025-08-16. Review status: criteria provided, single submitter. Criteria: Invitae Variant Classification Sherloc (09022015). Collection method: clinical testing. Allele origin: germline.
Comment: This sequence change replaces glycine, which is neutral and non-polar, with arginine, which is basic and polar, at codon 947 of the CDON protein (p.Gly947Arg). This variant is present in population databases (rs761948945, gnomAD 0.002%). This variant has not been reported in the literature in individuals affected with CDON-related conditions. ClinVar contains an entry for this variant (Variation ID: 2507343). An algorithm developed to predict the effect of missense changes on protein structure and function (PolyPhen-2) suggests that this variant is likely to be disruptive. In summary, the available evidence is currently insufficient to determine the role of this variant in disease. Therefore, it has been classified as a Variant of Uncertain Significance.

GeneDx
Classification: Uncertain significance. Last evaluated: 2022-12-27. Review status: criteria provided, single submitter. Criteria: GeneDx Variant Classification Process June 2021. Collection method: clinical testing. Allele origin: germline. Affected: yes.
Comment: Not observed at significant frequency in large population cohorts (gnomAD); In silico analysis supports that this missense variant does not alter protein structure/function; Has not been previously published as pathogenic or benign to our knowledge